The following is an entry in ClinVar:

NM_001366385.1(CARD14):c.727G>C (p.Glu243Gln)

Gene: CARD14 (caspase recruitment domain family member 14; plus strand). Cytogenetic location: 17q25.3.
Variant type: single nucleotide variant.
Coding change: c.727G>C on transcript NM_001366385.1 (MANE Select); coding-DNA position 727, G replaced by C.
Protein change: p.Glu243Gln; replaces glutamic acid 243 with glutamine.
Molecular consequence: missense variant. On other transcripts: non-coding transcript variant (1).
Genome position (GRCh38, 1-based): chr17:80,188,428, G>C. VCF-style: chr17-80188428-G-C. GRCh37 (hg19) VCF-style: chr17-78162227-G-C.
Other names: c.727G>C, p.Glu243Gln (NM_001257970.1, NM_024110.4); c.16G>C, p.Glu6Gln (NM_052819.3); short protein forms E243Q, E6Q.
Identifiers: ClinVar variation 1976316 (VCV001976316.5), dbSNP rs1175156958, ClinGen allele CA401341041.
Genomic context (GRCh38, chr17:80,188,428, plus strand): 5'-ACCGCACAGCTGTATCTACTGAAGCAGGAGCTGCAGCGAGCCAACATGGTTTCCTCCTGT[G>C]AGCTGGAATTGCAAGAGCAGTCCCTGAGGACAGCCAGCGACCAGGAGTCCGGGGATGAGG-3'
Protein context (NP_001353314.1, residues 233-253): LQRANMVSSC[Glu243Gln]LELQEQSLRT

ClinVar aggregate classification (germline): Uncertain significance (1 of 4 stars; one submission).

Conditions:
Pityriasis rubra pilaris (PRP). Also called: Pityriasis rubra pilaris--familial type. Identifiers: Orphanet 2897, MedGen C0032027, MONDO:0100017, OMIM 173200, MONDO:0008251.
Psoriasis 2. Identifiers: MedGen C1864497, MONDO:0011269, OMIM 602723.

Submission:

Labcorp Genetics (formerly Invitae), Labcorp
Classification: Uncertain significance for Pityriasis rubra pilaris; Psoriasis 2. Last evaluated: 2024-03-07. Review status: criteria provided, single submitter. Criteria: Invitae Variant Classification Sherloc (09022015). Collection method: clinical testing. Allele origin: germline.
Comment: This sequence change replaces glutamic acid, which is acidic and polar, with glutamine, which is neutral and polar, at codon 243 of the CARD14 protein (p.Glu243Gln). This variant is not present in population databases (gnomAD no frequency). This variant has not been reported in the literature in individuals affected with CARD14-related conditions. ClinVar contains an entry for this variant (Variation ID: 1976316). Advanced modeling of protein sequence and biophysical properties (such as structural, functional, and spatial information, amino acid conservation, physicochemical variation, residue mobility, and thermodynamic stability) performed at Invitae indicates that this missense variant is not expected to disrupt CARD14 protein function with a negative predictive value of 80%. Algorithms developed to predict the effect of sequence changes on RNA splicing suggest that this variant may create or strengthen a splice site. In summary, the available evidence is currently insufficient to determine the role of this variant in disease. Therefore, it has been classified as a Variant of Uncertain Significance.